The following is an entry in ClinVar:

NM_001270508.2(TNFAIP3):c.1906+1del

Gene: TNFAIP3 (TNF alpha induced protein 3; plus strand). Cytogenetic location: 6q23.3.
Variant type: Deletion.
Coding change: c.1906+1del on transcript NM_001270508.2 (MANE Select); the canonical splice donor site of the intron after coding-DNA position 1906, one base deleted (G; older notation c.1906+1delG).
Molecular consequence: splice donor variant.
Genome position (GRCh38, 1-based): chr6:137,879,352, G deleted. VCF-style (leftmost placement, unchanged base first): chr6-137879351-CG-C. GRCh37 (hg19) VCF-style: chr6-138200488-CG-C.
Other names: c.1906+1del (NM_001270507.2, NM_006290.4).
Identifiers: ClinVar variation 4727357 (VCV004727357.1).

ClinVar aggregate classification (germline): Likely pathogenic (1 of 4 stars; one submission).

Submission:

Labcorp Genetics (formerly Invitae), Labcorp
Classification: Likely pathogenic. Last evaluated: 2025-09-24. Review status: criteria provided, single submitter. Criteria: Invitae Variant Classification Sherloc (09022015). Collection method: clinical testing. Allele origin: germline.
Comment: This sequence change affects a splice site in intron 7 of the TNFAIP3 gene. It is expected to disrupt RNA splicing. Variants that disrupt the donor or acceptor splice site typically lead to a loss of protein function (PMID: 16199547), and loss-of-function variants in TNFAIP3 are known to be pathogenic (PMID: 26642243). This variant is not present in population databases (gnomAD no frequency). This variant has not been reported in the literature in individuals affected with TNFAIP3-related conditions. Algorithms developed to predict the effect of sequence changes on RNA splicing suggest that this variant may disrupt the consensus splice site. In summary, the currently available evidence indicates that the variant is pathogenic, but additional data are needed to prove that conclusively. Therefore, this variant has been classified as Likely Pathogenic.

Literature cited by the submitters: PubMed 16199547; PubMed 26642243.